The following is an entry in ClinVar:

ClinVar aggregate classification (germline): Likely benign (1 of 4 stars; one submission).

Allele frequency attached by ClinVar (database versions not stated): TOPMed 0.00001.

Submission:

CeGaT Center for Human Genetics Tuebingen
Classification: Likely benign. Last evaluated: 2023-03-01. Review status: criteria provided, single submitter. Criteria: CeGaT Center For Human Genetics Tuebingen Variant Classification Criteria Version 2. Collection method: clinical testing. Allele origin: germline. Affected: yes. Observed: 1 variant allele.
Comment: KDM5C: PM2:Supporting, BP4, BP7

NM_004187.5(KDM5C):c.2095C>T (p.Leu699=)

Gene: KDM5C (lysine demethylase 5C; minus strand). Cytogenetic location: Xp11.22.
Variant type: single nucleotide variant.
Coding change: c.2095C>T on transcript NM_004187.5 (MANE Select); coding-DNA position 2095, C replaced by T.
Protein change: p.Leu699=; no amino-acid change (leucine 699 retained).
Molecular consequence: synonymous variant. On other transcripts: non-coding transcript variant (3).
Genome position (GRCh38, 1-based): chrX:53,199,125, G>A on the plus strand (C>T on the coding strand, the complement: KDM5C is on the minus strand). VCF-style: chrX-53199125-G-A. GRCh37 (hg19) VCF-style: chrX-53228307-G-A.
Other names: c.1894C>T, p.Leu632= (NM_001146702.2); c.2092C>T, p.Leu698= (NM_001282622.3, NM_001353979.2, NM_001353982.2); c.2095C>T, p.Leu699= (NM_001353978.3, NM_001353981.2, NM_001353984.2).
Identifiers: ClinVar variation 2499138 (VCV002499138.28), dbSNP rs2073061984, ClinGen allele CA516672841.